The following is an entry in ClinVar:

NM_001012338.3(NTRK3):c.930G>T (p.Leu310=)

Gene: NTRK3 (neurotrophic receptor tyrosine kinase 3; minus strand). Cytogenetic location: 15q25.3.
Variant type: single nucleotide variant.
Coding change: c.930G>T on transcript NM_001012338.3 (MANE Select); coding-DNA position 930, G replaced by T.
Protein change: p.Leu310=; no amino-acid change (leucine 310 retained).
Molecular consequence: synonymous variant.
Genome position (GRCh38, 1-based): chr15:88,135,375, C>A on the plus strand (G>T on the coding strand, the complement: NTRK3 is on the minus strand). VCF-style: chr15-88135375-C-A. GRCh37 (hg19) VCF-style: chr15-88678606-C-A.
Other names: c.930G>T, p.Leu310= (NM_001007155.1, NM_001007156.3, NM_001243101.2 and 7 more transcripts); c.636G>T, p.Leu212= (NM_001320135.2).
Identifiers: ClinVar variation 3035627 (VCV003035627.2), dbSNP rs145699221, ClinGen allele CA7717070.

ClinVar aggregate classification (germline): Likely benign (0 of 4 stars; one submission).

Conditions:
NTRK3-related disorder. Also called: NTRK3-related condition.

Allele frequency attached by ClinVar (database versions not stated): TOPMed 0.00004; gnomAD 0.00013; ESP Exome Variant Server 0.00015; 1000 Genomes Project 30x 0.00016; 1000 Genomes Project 0.00020; ExAC 0.00034.
gnomAD v4.1: 298 of 1,614,048 alleles (0.018%); highest among the groups gnomAD compares: South Asian, 0.19%; 1 homozygote.

Submission:

PreventionGenetics, part of Exact Sciences
Classification: Likely benign for NTRK3-related condition. Last evaluated: 2019-08-06. Review status: no assertion criteria provided. Collection method: clinical testing. Allele origin: germline.
Comment: This variant is classified as likely benign based on ACMG/AMP sequence variant interpretation guidelines (Richards et al. 2015 PMID: 25741868, with internal and published modifications).